The following is an entry in ClinVar:

NM_001110556.2(FLNA):c.2022+1G>A

Gene: FLNA (filamin A; minus strand). Cytogenetic location: Xq28.
Variant type: single nucleotide variant.
Coding change: c.2022+1G>A on transcript NM_001110556.2 (MANE Select); the canonical splice donor site of the intron after coding-DNA position 2022, G replaced by A.
Molecular consequence: splice donor variant.
Genome position (GRCh38, 1-based): chrX:154,364,525, C>T on the plus strand (G>A on the coding strand, the complement: FLNA is on the minus strand). VCF-style: chrX-154364525-C-T. GRCh37 (hg19) VCF-style: chrX-153592893-C-T.
Other names: c.2022+1G>A (NM_001456.4).
Identifiers: ClinVar variation 3759709 (VCV003759709.3).

ClinVar aggregate classification (germline): Pathogenic. Review status: criteria provided, multiple submitters, no conflicts (2 of 4 stars). 2 submissions from 2 submitters: Pathogenic (2). Last evaluated 2024-12-09.

Conditions:
Melnick-Needles syndrome (MNS). Also called: MELNICK-NEEDLES OSTEODYSPLASTY; OSTEODYSPLASTY OF MELNICK AND NEEDLES; Melnick-Needles Syndrome (FLNA-MNS). Identifiers: Orphanet 2484, MedGen C0025237, MONDO:0010650, OMIM 309350.
Frontometaphyseal dysplasia (FMD1). Identifiers: Orphanet 1826, MedGen C0265293, MONDO:0015942.
Heterotopia, periventricular, X-linked dominant (PVNH1). Also called: PERIVENTRICULAR NODULAR HETEROTOPIA 1; X-linked periventricular heterotopia; PERIVENTRICULAR NODULAR HETEROTOPIA 4; HETEROTOPIA, PERIVENTRICULAR, 1. Identifiers: Orphanet 2149, Orphanet 82004, MedGen C1848213, MONDO:0010233, OMIM 300049.
Oto-palato-digital syndrome, type II (OPD2). Also called: FACIOPALATOOSSEOUS SYNDROME; OPD II SYNDROME; Otopalatodigital Syndrome, Type II; Otopalatodigital Syndrome Type 2 (FLNA-OPD2). Identifiers: Orphanet 669, Orphanet 90652, MedGen C1844696, MONDO:0010571, OMIM 304120.

Submissions (2):

GeneDx
Classification: Pathogenic. Last evaluated: 2024-12-09. Review status: criteria provided, single submitter. Criteria: GeneDx Variant Classification Process June 2021. Collection method: clinical testing. Allele origin: germline. Affected: yes.
Comment: Identified in the heterozygous state in an individual from a cohort of patients with FLNA related-PVNH, but detailed clinical information was not provided (PMID: 26471271); Canonical splice site variant predicted to result in a null allele in a gene for which loss of function is a known mechanism of disease; Not observed at significant frequency in large population cohorts (gnomAD); This variant is associated with the following publications: (PMID: 26471271)

Labcorp Genetics (formerly Invitae), Labcorp
Classification: Pathogenic for Oto-palato-digital syndrome, type II; Heterotopia, periventricular, X-linked dominant; Frontometaphyseal dysplasia; Melnick-Needles syndrome. Last evaluated: 2024-04-17. Review status: criteria provided, single submitter. Criteria: Invitae Variant Classification Sherloc (09022015). Collection method: clinical testing. Allele origin: germline.
Comment: This sequence change affects a donor splice site in intron 13 of the FLNA gene. It is expected to disrupt RNA splicing. Variants that disrupt the donor or acceptor splice site typically lead to a loss of protein function (PMID: 16199547), and loss-of-function variants in FLNA are known to be pathogenic (PMID: 16684786, 20730588, 26471271). This variant is not present in population databases (gnomAD no frequency). Disruption of this splice site has been observed in individuals with periventricular heterotopia (PMID: 26471271; Invitae). Algorithms developed to predict the effect of sequence changes on RNA splicing suggest that this variant may disrupt the consensus splice site. For these reasons, this variant has been classified as Pathogenic.

Literature cited by the submitters: PubMed 16199547 (cited by Labcorp Genetics (formerly Invitae), Labcorp); PubMed 16684786 (cited by Labcorp Genetics (formerly Invitae), Labcorp); PubMed 20730588 (cited by Labcorp Genetics (formerly Invitae), Labcorp); PubMed 26471271 (cited by Labcorp Genetics (formerly Invitae), Labcorp).